The following is an entry in ClinVar:

NM_001366285.2(TBXT):c.606+8G>A

Gene: TBXT (T-box transcription factor T; minus strand). Cytogenetic location: 6q27.
Variant type: single nucleotide variant.
Coding change: c.606+8G>A on transcript NM_001366285.2 (MANE Select); 8 bases into the intron after coding-DNA position 606, G replaced by A.
Molecular consequence: intron variant.
Genome position (GRCh38, 1-based): chr6:166,165,698, C>T on the plus strand (G>A on the coding strand, the complement: TBXT is on the minus strand). VCF-style: chr6-166165698-C-T. GRCh37 (hg19) VCF-style: chr6-166579186-C-T.
Other names: c.606+8G>A (NM_001270484.2, NM_001366286.2, NM_003181.4).
Identifiers: ClinVar variation 3045824 (VCV003045824.2), dbSNP rs189940844, ClinGen allele CA4093047.

ClinVar aggregate classification (germline): Likely benign (0 of 4 stars; one submission).

Conditions:
TBXT-related disorder. Also called: TBXT-related condition.

Allele frequency attached by ClinVar (database versions not stated): ESP Exome Variant Server 0.00023; ExAC 0.00025; TOPMed 0.00028; gnomAD 0.00029; gnomAD exomes 0.00046; 1000 Genomes Project 30x 0.00078; 1000 Genomes Project 0.00080.

Submission:

PreventionGenetics, part of Exact Sciences
Classification: Likely benign for TBXT-related condition. Last evaluated: 2019-10-31. Review status: no assertion criteria provided. Collection method: clinical testing. Allele origin: germline.
Comment: This variant is classified as likely benign based on ACMG/AMP sequence variant interpretation guidelines (Richards et al. 2015 PMID: 25741868, with internal and published modifications).